The following is an entry in ClinVar:

ClinVar aggregate classification (germline): Uncertain significance (1 of 4 stars; one submission).

Conditions:
Inborn genetic diseases. Identifiers: MedGen C0950123, MeSH D030342.

Submission:

Ambry Genetics
Classification: Uncertain significance for Inborn genetic diseases. Last evaluated: 2026-05-23. Review status: criteria provided, single submitter. Criteria: Ambry Variant Classification Scheme 2023. Collection method: clinical testing. Allele origin: germline.
Comment: The p.H179P variant (also known as c.536A>C), located in coding exon 5 of the USB1 gene, results from an A to C substitution at nucleotide position 536. The histidine at codon 179 is replaced by proline, an amino acid with similar properties. This amino acid position is conserved. In addition, the in silico prediction for this alteration is inconclusive. Based on the available evidence, the clinical significance of this variant remains unclear.

NM_024598.4(USB1):c.536A>C (p.His179Pro)

Gene: USB1 (U6 snRNA biogenesis phosphodiesterase 1; plus strand). Cytogenetic location: 16q21.
Variant type: single nucleotide variant.
Coding change: c.536A>C on transcript NM_024598.4 (MANE Select); coding-DNA position 536, A replaced by C.
Protein change: p.His179Pro; replaces histidine 179 with proline.
Molecular consequence: missense variant.
Genome position (GRCh38, 1-based): chr16:58,017,366, A>C. VCF-style: chr16-58017366-A-C. GRCh37 (hg19) VCF-style: chr16-58051270-A-C.
Other names: c.383A>C, p.His128Pro (NM_001330568.2); c.482A>C, p.His161Pro (NM_001195302.2); short protein forms H128P, H161P, H179P.
Identifiers: ClinVar variation 4866368 (VCV004866368.1).